The following is an entry in ClinVar:

ClinVar aggregate classification (germline): Conflicting classifications of pathogenicity. Review status: criteria provided, conflicting classifications (1 of 4 stars). 3 submissions from 3 submitters: Uncertain significance (2); Likely benign (1). Last evaluated 2024-03-04.

Conditions:
Inborn genetic diseases. Identifiers: MedGen C0950123, MeSH D030342.

Allele frequency attached by ClinVar (database versions not stated): gnomAD 0.00076; gnomAD exomes 0.00005 and 0.00023; TOPMed 0.00080; ESP Exome Variant Server 0.00089; 1000 Genomes Project 30x 0.00172; ExAC 0.00034; 1000 Genomes Project 0.00200.
gnomAD v4.1: 189 of 1,613,556 alleles (0.012%); highest among the groups gnomAD compares: African/African-American, 0.21%; 1 homozygote.

Submissions (3):

Labcorp Genetics (formerly Invitae), Labcorp
Classification: Likely benign. Last evaluated: 2024-03-04. Review status: criteria provided, single submitter. Criteria: Invitae Variant Classification Sherloc (09022015). Collection method: clinical testing. Allele origin: germline.

Ambry Genetics
Classification: Uncertain significance for Inborn genetic diseases. Last evaluated: 2018-11-30. Review status: criteria provided, single submitter. Criteria: Ambry Variant Classification Scheme 2023. Collection method: clinical testing. Allele origin: germline.
Comment: The p.E836D variant (also known as c.2508G>C), located in coding exon 24 of the CC2D1A gene, results from a G to C substitution at nucleotide position 2508. The glutamic acid at codon 836 is replaced by aspartic acid, an amino acid with highly similar properties. This amino acid position is well conserved in available vertebrate species. In addition, this alteration is predicted to be tolerated by in silico analysis. Since supporting evidence is limited at this time, the clinical significance of this alteration remains unclear.

Center for Pediatric Genomic Medicine, Children's Mercy Hospital and Clinics
Classification: Uncertain significance. Last evaluated: 2017-06-15. Review status: criteria provided, single submitter. Criteria: ACMG Guidelines, 2015. Collection method: clinical testing. Allele origin: germline.

NM_017721.5(CC2D1A):c.2508G>C (p.Glu836Asp)

Gene: CC2D1A (coiled-coil and C2 domain containing 1A; plus strand). Cytogenetic location: 19p13.12.
Variant type: single nucleotide variant.
Coding change: c.2508G>C on transcript NM_017721.5 (MANE Select); coding-DNA position 2508, G replaced by C.
Protein change: p.Glu836Asp; replaces glutamic acid 836 with aspartic acid.
Molecular consequence: missense variant.
Genome position (GRCh38, 1-based): chr19:13,928,177, G>C. VCF-style: chr19-13928177-G-C. GRCh37 (hg19) VCF-style: chr19-14038990-G-C.
Other names: short protein forms E836D.
Identifiers: ClinVar variation 445416 (VCV000445416.11), dbSNP rs34146052, ClinGen allele CA9245102.